The following is an entry in ClinVar:

NM_000465.4(BARD1):c.1335A>G (p.Glu445=)

Gene: BARD1 (BRCA1 associated RING domain 1; minus strand). Cytogenetic location: 2q35.
Variant type: single nucleotide variant.
Coding change: c.1335A>G on transcript NM_000465.4 (MANE Select); coding-DNA position 1335, A replaced by G.
Protein change: p.Glu445=; no amino-acid change (glutamic acid 445 retained).
Molecular consequence: synonymous variant. On other transcripts: non-coding transcript variant (3), intron variant (3).
Genome position (GRCh38, 1-based): chr2:214,769,292, T>C on the plus strand (A>G on the coding strand, the complement: BARD1 is on the minus strand). VCF-style: chr2-214769292-T-C. GRCh37 (hg19) VCF-style: chr2-215634016-T-C.
Other names: c.1278A>G, p.Glu426= (NM_001282543.2); c.159-16737A>G (NM_001282548.2); c.216-16737A>G (NM_001282545.2); c.364+23005A>G (NM_001282549.2); c.1335A>G (NM_000465.2).
Identifiers: ClinVar variation 3378644 (VCV003378644.2).

ClinVar aggregate classification (germline): Benign/Likely benign. Review status: criteria provided, multiple submitters, no conflicts (2 of 4 stars). 2 submissions from 2 submitters: Benign (1); Likely benign (1). Last evaluated 2025-05-19.

Conditions:
Hereditary cancer-predisposing syndrome. Also called: Neoplastic Syndromes, Hereditary; Tumor predisposition; Hereditary Cancer Syndrome; Hereditary neoplastic syndrome. Identifiers: Orphanet 140162, MedGen C0027672, MeSH D009386, MONDO:0015356.
Familial cancer of breast. Also called: hereditary breast carcinoma; Hereditary breast cancer; BREAST CANCER, FAMILIAL. Identifiers: Orphanet 227535, MedGen C0346153, MONDO:0016419, OMIM 114480. Disease mechanism: loss of function.

gnomAD v4.1: 6 of 1,613,480 alleles (0.00037%); highest among the groups gnomAD compares: Non-Finnish European, 0.00051%; no homozygotes.

Submissions (2):

Ambry Genetics
Classification: Likely benign for Hereditary cancer-predisposing syndrome. Last evaluated: 2025-05-19. Review status: criteria provided, single submitter. Criteria: Ambry Variant Classification Scheme 2023. Collection method: clinical testing. Allele origin: germline.

Myriad Genetics, Inc.
Classification: Benign for Familial cancer of breast. Last evaluated: 2024-07-24. Review status: criteria provided, single submitter. Criteria: Myriad Autosomal Dominant, Autosomal Recessive and X-Linked Classification Criteria (2023). Collection method: clinical testing. Allele origin: unknown.
Comment: This variant is considered benign. This variant is a silent/synonymous amino acid change and it is not expected to impact splicing.